The following is an entry in ClinVar:

NM_198904.4(GABRG2):c.852_858del (p.Leu285fs)

Gene: GABRG2 (gamma-aminobutyric acid type A receptor subunit gamma2; plus strand). Cytogenetic location: 5q34.
Variant type: Deletion.
Coding change: c.852_858del on transcript NM_198904.4 (MANE Select); coding-DNA positions 852 to 858, 7 bases deleted (ACTCATT; older notation c.852_858delACTCATT).
Protein change: p.Leu285fs; shifts the reading frame from leucine 285.
Molecular consequence: frameshift variant.
Genome position (GRCh38, 1-based): chr5:162,142,246-162,142,252, ACTCATT deleted. VCF-style (leftmost placement, unchanged base first): chr5-162142245-CACTCATT-C. GRCh37 (hg19) VCF-style: chr5-161569251-CACTCATT-C.
Other names: c.852_858del, p.Leu285fs (NM_000816.3, NM_001375340.1); c.843_849del, p.Leu282fs (NM_001375339.1); c.849_855del, p.Leu284fs (NM_001375341.1, NM_001375342.1); c.972_978del, p.Leu325fs (NM_001375343.1, NM_198903.2); c.891_897del, p.Leu298fs (NM_001375344.1); c.786_792del, p.Leu263fs (NM_001375345.1, NM_001375346.1); c.765_771del, p.Leu256fs (NM_001375347.1); c.432_438del, p.Leu145fs (NM_001375348.1, NM_001375350.1); and 1 more; short protein forms L263fs, L325fs, L284fs, L145fs, L282fs, L285fs, L190fs, L256fs.
Identifiers: ClinVar variation 2018794 (VCV002018794.4), dbSNP rs2532726254, ClinGen allele CA2580073990.
Genomic context (GRCh38, chr5:162,142,245, plus strand): 5'-TCTACTTTGATCTGAGCAGAAGAATGGGATACTTTACCATCCAGACCTATATCCCCTGCA[CACTCATT>C]GTCGTCCTATCCTGGGTGTCTTTCTGGATCAATAAGGATGCTGTTCCAGCCAGAACATCT-3'

ClinVar aggregate classification (germline): Pathogenic (1 of 4 stars; one submission).

Conditions:
EPILEPSY, CHILDHOOD ABSENCE, SUSCEPTIBILITY TO, 2 (ECA2). Identifiers: Orphanet 64280, MedGen C1843244, OMIM 607681.
Febrile seizures, familial, 8 (FEB8). Also called: CONVULSIONS, FAMILIAL FEBRILE, 8. Identifiers: Orphanet 36387, MedGen C1969810, MONDO:0011891, OMIM 607681.

Submission:

Labcorp Genetics (formerly Invitae), Labcorp
Classification: Pathogenic for Febrile seizures, familial, 8; EPILEPSY, CHILDHOOD ABSENCE, SUSCEPTIBILITY TO, 2. Last evaluated: 2022-07-31. Review status: criteria provided, single submitter. Criteria: Invitae Variant Classification Sherloc (09022015). Collection method: clinical testing. Allele origin: germline.
Comment: This sequence change creates a premature translational stop signal (p.Leu285Serfs*21) in the GABRG2 gene. It is expected to result in an absent or disrupted protein product. Loss-of-function variants in GABRG2 are known to be pathogenic (PMID: 22539854, 22750526, 24407264). This variant is not present in population databases (gnomAD no frequency). This variant has not been reported in the literature in individuals affected with GABRG2-related conditions. For these reasons, this variant has been classified as Pathogenic.

Literature cited by the submitters: PubMed 22539854; PubMed 22750526; PubMed 24407264.